The following is an entry in ClinVar:

NM_000278.5(PAX2):c.337G>T (p.Glu113Ter)

Gene: PAX2 (paired box 2; plus strand). Cytogenetic location: 10q24.31.
Variant type: single nucleotide variant.
Coding change: c.337G>T on transcript NM_000278.5 (MANE Select); coding-DNA position 337, G replaced by T.
Protein change: p.Glu113Ter; replaces glutamic acid 113 with a stop codon.
Molecular consequence: nonsense.
Genome position (GRCh38, 1-based): chr10:100,750,818, G>T. VCF-style: chr10-100750818-G-T. GRCh37 (hg19) VCF-style: chr10-102510575-G-T.
Other names: c.430G>T, p.Glu144Ter (NM_001304569.2); c.337G>T, p.Glu113Ter (NM_003987.5, NM_003988.5, NM_003989.5 and 1 more transcripts); short protein forms E113*, E144*.
Identifiers: ClinVar variation 2681762 (VCV002681762.2), dbSNP rs1481932003.
Genomic context (GRCh38, chr10:100,750,818, plus strand): 5'-CCCAAAGTGGTGGACAAGATTGCTGAATACAAACGACAGAACCCGACTATGTTCGCCTGG[G>T]AGATTCGAGACCGGCTCCTGGCCGAGGGCATCTGTGACAATGACACAGTGCCCAGCGTCT-3'

ClinVar aggregate classification (germline): Pathogenic (1 of 4 stars; one submission).

Conditions:
Focal segmental glomerulosclerosis 7 (FSGS7). Identifiers: Orphanet 656, MedGen C4014925, MONDO:0014451, OMIM 616002.

Submission:

Precision Medicine Center, Zhengzhou University
Classification: Pathogenic for Focal segmental glomerulosclerosis 7. Last evaluated: 2023-12-01. Review status: criteria provided, single submitter. Criteria: ACMG Guidelines, 2015. Collection method: clinical testing. Allele origin: de novo. Affected: yes.
Comment: PVS1,PS2,PM2_p